The following is an entry in ClinVar:

ClinVar aggregate classification (germline): Uncertain significance (1 of 4 stars; one submission).

Submission:

CeGaT Center for Human Genetics Tuebingen
Classification: Uncertain significance. Last evaluated: 2026-07-01. Review status: criteria provided, single submitter. Criteria: CeGaT Center For Human Genetics Tuebingen Variant Classification Criteria Version 2. Collection method: clinical testing. Allele origin: germline. Affected: yes. Observed: 1 variant allele.
Comment: CHRNA4: PM2, BP4

NM_000744.7(CHRNA4):c.578A>G (p.Asn193Ser)

Gene: CHRNA4 (cholinergic receptor nicotinic alpha 4 subunit; minus strand). Cytogenetic location: 20q13.33.
Variant type: single nucleotide variant.
Coding change: c.578A>G on transcript NM_000744.7 (MANE Select); coding-DNA position 578, A replaced by G.
Protein change: p.Asn193Ser; replaces asparagine 193 with serine.
Molecular consequence: missense variant. On other transcripts: non-coding transcript variant (1).
Genome position (GRCh38, 1-based): chr20:63,350,833, T>C on the plus strand (A>G on the coding strand, the complement: CHRNA4 is on the minus strand). VCF-style: chr20-63350833-T-C. GRCh37 (hg19) VCF-style: chr20-61982185-T-C.
Other names: c.50A>G, p.Asn17Ser (NM_001256573.2); short protein forms N17S, N193S.
Identifiers: ClinVar variation 5038694 (VCV005038694.1).
Genomic context (GRCh38, chr20:63,350,833, plus strand): 5'-TCCACGATGACCCACTCGCCACTCTCCCAGAAGTCCAGCTGGTCCACGCGGCTGTGCATG[T>C]TCACCAGGTCGATCTTGGCCTTGTCGTAGGTCCAGGAGCCGAATTTCATGGTGCAGTTCT-3'
Protein context (NP_000735.1, residues 183-203): TYDKAKIDLV[Asn193Ser]MHSRVDQLDF